The following is an entry in ClinVar:

ClinVar aggregate classification (germline): Uncertain significance. Review status: criteria provided, multiple submitters, no conflicts (2 of 4 stars). 2 submissions from 2 submitters: Uncertain significance (2). Last evaluated 2025-03-16.

Conditions:
Inborn genetic diseases. Identifiers: MedGen C0950123, MeSH D030342.

Allele frequency attached by ClinVar (database versions not stated): gnomAD exomes 0.00001 and 0.00005; 1000 Genomes Project 30x 0.00031; ExAC 0.00003; 1000 Genomes Project 0.00020; gnomAD 0.00001; TOPMed 0.00003.
gnomAD v4.1: 18 of 1,611,350 alleles (0.0011%); highest among the groups gnomAD compares: Admixed American, 0.025%; no homozygotes.

Submissions (2):

Ambry Genetics
Classification: Uncertain significance for Inborn genetic diseases. Last evaluated: 2025-03-16. Review status: criteria provided, single submitter. Criteria: Ambry Variant Classification Scheme 2023. Collection method: clinical testing. Allele origin: germline.

Labcorp Genetics (formerly Invitae), Labcorp
Classification: Uncertain significance. Last evaluated: 2022-08-16. Review status: criteria provided, single submitter. Criteria: Invitae Variant Classification Sherloc (09022015). Collection method: clinical testing. Allele origin: germline.
Comment: This sequence change replaces threonine, which is neutral and polar, with alanine, which is neutral and non-polar, at codon 5139 of the PCLO protein (p.Thr5139Ala). This variant is present in population databases (rs539111932, gnomAD 0.04%). This variant has not been reported in the literature in individuals affected with PCLO-related conditions. ClinVar contains an entry for this variant (Variation ID: 1476443). Algorithms developed to predict the effect of missense changes on protein structure and function are either unavailable or do not agree on the potential impact of this missense change (SIFT: "Tolerated"; PolyPhen-2: "Not Available"; Align-GVGD: "Class C0"). In summary, the available evidence is currently insufficient to determine the role of this variant in disease. Therefore, it has been classified as a Variant of Uncertain Significance.

NM_033026.6(PCLO):c.15415A>G (p.Thr5139Ala)

Gene: PCLO (piccolo presynaptic cytomatrix protein; minus strand). Cytogenetic location: 7q21.11.
Variant type: single nucleotide variant.
Coding change: c.15415A>G on transcript NM_033026.6 (MANE Select); coding-DNA position 15415, A replaced by G.
Protein change: p.Thr5139Ala; replaces threonine 5139 with alanine.
Molecular consequence: missense variant.
Genome position (GRCh38, 1-based): chr7:82,758,589, T>C on the plus strand (A>G on the coding strand, the complement: PCLO is on the minus strand). VCF-style: chr7-82758589-T-C. GRCh37 (hg19) VCF-style: chr7-82387905-T-C.
Other names: c.15415A>G (NM_033026.5); short protein forms T5139A.
Identifiers: ClinVar variation 1476443 (VCV001476443.6), dbSNP rs539111932, ClinGen allele CA4318546.